The following is an entry in ClinVar:

ClinVar aggregate classification (germline): Uncertain significance. Review status: criteria provided, multiple submitters, no conflicts (2 of 4 stars). 2 submissions from 2 submitters: Uncertain significance (2). Last evaluated 2022-09-07.

Conditions:
Donnai-Barrow syndrome. Also called: DBS/FOAR SYNDROME; FACIOOCULOACOUSTICORENAL SYNDROME. Identifiers: Orphanet 2143, MedGen C1857277, MONDO:0009104, OMIM 222448.

Allele frequency attached by ClinVar (database versions not stated): gnomAD exomes below 0.00001 and 0.00002.
gnomAD v4.1: 25 of 1,613,678 alleles (0.0015%); highest among the groups gnomAD compares: Non-Finnish European, 0.002%; no homozygotes.

Submissions (2):

Labcorp Genetics (formerly Invitae), Labcorp
Classification: Uncertain significance. Last evaluated: 2022-09-07. Review status: criteria provided, single submitter. Criteria: Invitae Variant Classification Sherloc (09022015). Collection method: clinical testing. Allele origin: germline.
Comment: This sequence change replaces glycine, which is neutral and non-polar, with serine, which is neutral and polar, at codon 1907 of the LRP2 protein (p.Gly1907Ser). This variant is present in population databases (rs753578958, gnomAD 0.0009%). This variant has not been reported in the literature in individuals affected with LRP2-related conditions. ClinVar contains an entry for this variant (Variation ID: 1348200). Advanced modeling of protein sequence and biophysical properties (such as structural, functional, and spatial information, amino acid conservation, physicochemical variation, residue mobility, and thermodynamic stability) performed at Invitae indicates that this missense variant is expected to disrupt LRP2 protein function. In summary, the available evidence is currently insufficient to determine the role of this variant in disease. Therefore, it has been classified as a Variant of Uncertain Significance.

Fulgent Genetics
Classification: Uncertain significance for Donnai-Barrow syndrome. Last evaluated: 2022-05-26. Review status: criteria provided, single submitter. Criteria: ACMG Guidelines, 2015. Collection method: clinical testing. Allele origin: unknown.

NM_004525.3(LRP2):c.5719G>A (p.Gly1907Ser)

Gene: LRP2 (LDL receptor related protein 2; minus strand). Cytogenetic location: 2q31.1.
Variant type: single nucleotide variant.
Coding change: c.5719G>A on transcript NM_004525.3 (MANE Select); coding-DNA position 5719, G replaced by A.
Protein change: p.Gly1907Ser; replaces glycine 1907 with serine.
Molecular consequence: missense variant.
Genome position (GRCh38, 1-based): chr2:169,216,360, C>T on the plus strand (G>A on the coding strand, the complement: LRP2 is on the minus strand). VCF-style: chr2-169216360-C-T. GRCh37 (hg19) VCF-style: chr2-170072870-C-T.
Other names: short protein forms G1907S.
Identifiers: ClinVar variation 1348200 (VCV001348200.6), dbSNP rs753578958, ClinGen allele CA59902739.